The following is an entry in ClinVar:

NM_025179.4(PLXNA2):c.5596G>A (p.Gly1866Arg)

Gene: PLXNA2 (plexin A2; minus strand). Cytogenetic location: 1q32.2.
Variant type: single nucleotide variant.
Coding change: c.5596G>A on transcript NM_025179.4 (MANE Select); coding-DNA position 5596, G replaced by A.
Protein change: p.Gly1866Arg; replaces glycine 1866 with arginine.
Molecular consequence: missense variant.
Genome position (GRCh38, 1-based): chr1:208,027,332, C>T on the plus strand (G>A on the coding strand, the complement: PLXNA2 is on the minus strand). VCF-style: chr1-208027332-C-T. GRCh37 (hg19) VCF-style: chr1-208200677-C-T.
Other names: short protein forms G1866R.
Identifiers: ClinVar variation 1496933 (VCV001496933.8), dbSNP rs762054923, ClinGen allele CA1372515.

ClinVar aggregate classification (germline): Uncertain significance (1 of 4 stars; one submission).

Allele frequency attached by ClinVar (database versions not stated): ExAC 0.00001; gnomAD 0.00001.
gnomAD v4.1: 26 of 1,612,466 alleles (0.0016%); highest among the groups gnomAD compares: Middle Eastern, 0.016%; no homozygotes.

Submission:

Labcorp Genetics (formerly Invitae), Labcorp
Classification: Uncertain significance. Last evaluated: 2022-03-29. Review status: criteria provided, single submitter. Criteria: Invitae Variant Classification Sherloc (09022015). Collection method: clinical testing. Allele origin: germline.
Comment: This sequence change replaces glycine, which is neutral and non-polar, with arginine, which is basic and polar, at codon 1866 of the PLXNA2 protein (p.Gly1866Arg). This variant is present in population databases (rs762054923, gnomAD 0.003%). This variant has not been reported in the literature in individuals affected with PLXNA2-related conditions. Algorithms developed to predict the effect of missense changes on protein structure and function (SIFT, PolyPhen-2, Align-GVGD) all suggest that this variant is likely to be tolerated. Algorithms developed to predict the effect of sequence changes on RNA splicing suggest that this variant may create or strengthen a splice site. In summary, the available evidence is currently insufficient to determine the role of this variant in disease. Therefore, it has been classified as a Variant of Uncertain Significance.